The following is an entry in ClinVar:

NM_000368.5(TSC1):c.1583G>A (p.Gly528Asp)

Gene: TSC1 (TSC complex subunit 1; minus strand). Cytogenetic location: 9q34.13.
Variant type: single nucleotide variant.
Coding change: c.1583G>A on transcript NM_000368.5 (MANE Select); coding-DNA position 1583, G replaced by A.
Protein change: p.Gly528Asp; replaces glycine 528 with aspartic acid.
Molecular consequence: missense variant. On other transcripts: non-coding transcript variant (5).
Genome position (GRCh38, 1-based): chr9:132,905,995, C>T on the plus strand (G>A on the coding strand, the complement: TSC1 is on the minus strand). VCF-style: chr9-132905995-C-T. GRCh37 (hg19) VCF-style: chr9-135781382-C-T.
Other names: c.1220G>A, p.Gly407Asp (NM_001406624.1, NM_001406619.1, NM_001362177.2 and 5 more transcripts); c.1217G>A, p.Gly406Asp (NM_001406625.1, NM_001406620.1, NM_001406621.1 and 2 more transcripts); c.632G>A, p.Gly211Asp (NM_001406626.1); c.629G>A, p.Gly210Asp (NM_001406627.1, NM_001406628.1); c.530G>A, p.Gly177Asp (NM_001406629.1, NM_001406630.1); c.1580G>A, p.Gly527Asp (NM_001162426.2, NM_001406597.1, NM_001406598.1 and 6 more transcripts); c.1430G>A, p.Gly477Asp (NM_001162427.2, NM_001406610.1); c.1583G>A, p.Gly528Asp (NM_001406592.1, NM_001406593.1, NM_001406594.1 and 7 more transcripts); and 1 more; short protein forms G211D, G477D, G527D, G177D, G406D, G528D, G210D, G407D.
Identifiers: ClinVar variation 4192076 (VCV004192076.2).

ClinVar aggregate classification (germline): Uncertain significance. Review status: criteria provided, multiple submitters, no conflicts (2 of 4 stars). 2 submissions from 2 submitters: Uncertain significance (2). Last evaluated 2026-08-01.

Conditions:
Hereditary cancer-predisposing syndrome. Also called: Tumor predisposition; Hereditary neoplastic syndrome; Hereditary Cancer Syndrome; Neoplastic Syndromes, Hereditary. Identifiers: Orphanet 140162, MedGen C0027672, MeSH D009386, MONDO:0015356.

Submissions (2):

CeGaT Center for Human Genetics Tuebingen
Classification: Uncertain significance. Last evaluated: 2026-08-01. Review status: criteria provided, single submitter. Criteria: CeGaT Center For Human Genetics Tuebingen Variant Classification Criteria Version 2. Collection method: clinical testing. Allele origin: germline. Affected: yes. Observed: 1 variant allele.
Comment: TSC1: PM2, BP1

Ambry Genetics
Classification: Uncertain significance for Hereditary cancer-predisposing syndrome. Last evaluated: 2025-07-29. Review status: criteria provided, single submitter. Criteria: Ambry Variant Classification Scheme 2023. Collection method: clinical testing. Allele origin: germline.
Comment: The p.G528D variant (also known as c.1583G>A), located in coding exon 13 of the TSC1 gene, results from a G to A substitution at nucleotide position 1583. The glycine at codon 528 is replaced by aspartic acid, an amino acid with similar properties. This amino acid position is not well conserved in available vertebrate species. In addition, this alteration is predicted to be tolerated by in silico analysis. Based on the available evidence, the clinical significance of this variant remains unclear.